The following is an entry in ClinVar:

ClinVar aggregate classification (germline): Pathogenic (1 of 4 stars; one submission).

Conditions:
Ataxia - intellectual disability - oculomotor apraxia - cerebellar cysts syndrome. Also called: Poretti-Boltshauser syndrome. Identifiers: Orphanet 370022, MedGen C4014821, MONDO:0014419, OMIM 615960.

Allele frequency attached by ClinVar (database versions not stated): TOPMed below 0.00001; gnomAD 0.00001.
gnomAD v4.1: 11 of 1,515,506 alleles (0.00073%); highest among the groups gnomAD compares: Admixed American, 0.0017%; no homozygotes.

Submission:

MGZ Medical Genetics Center
Classification: Pathogenic for Ataxia - intellectual disability - oculomotor apraxia - cerebellar cysts syndrome. Last evaluated: 2022-06-15. Review status: criteria provided, single submitter. Criteria: ACMG Guidelines, 2015. Collection method: clinical testing. Allele origin: germline. Affected: yes. Observed: 1 variant allele.
Comment: ACMG criteria applied: PVS1, PM3, PM2_SUP

NM_005559.4(LAMA1):c.4807-2A>G

Gene: LAMA1 (laminin subunit alpha 1; minus strand). Cytogenetic location: 18p11.31.
Variant type: single nucleotide variant.
Coding change: c.4807-2A>G on transcript NM_005559.4 (MANE Select); the canonical splice acceptor site of the intron before coding-DNA position 4807, A replaced by G.
Molecular consequence: splice acceptor variant.
Genome position (GRCh38, 1-based): chr18:6,995,448, T>C on the plus strand (A>G on the coding strand, the complement: LAMA1 is on the minus strand). VCF-style: chr18-6995448-T-C. GRCh37 (hg19) VCF-style: chr18-6995447-T-C.
Identifiers: ClinVar variation 1709400 (VCV001709400.2), dbSNP rs2057777177, ClinGen allele CA401844625.